The following is an entry in ClinVar:

ClinVar aggregate classification (germline): Likely pathogenic (1 of 4 stars; one submission).

Conditions:
Congenital dyserythropoietic anemia, type II (CDAN2). Also called: DYSERYTHROPOIETIC ANEMIA, HEMPAS TYPE. Identifiers: Orphanet 98873, MedGen C1306589, MONDO:0009134, OMIM 224100.
Cowden syndrome 7 (CWS7). Identifiers: Orphanet 201, MedGen C4225179, MONDO:0014802, OMIM 616858.

Submission:

Labcorp Genetics (formerly Invitae), Labcorp
Classification: Likely pathogenic for Congenital dyserythropoietic anemia, type II; Cowden syndrome 7. Last evaluated: 2023-10-17. Review status: criteria provided, single submitter. Criteria: Invitae Variant Classification Sherloc (09022015). Collection method: clinical testing. Allele origin: germline.
Comment: This sequence change affects a donor splice site in intron 16 of the SEC23B gene. It is expected to disrupt RNA splicing. Variants that disrupt the donor or acceptor splice site typically lead to a loss of protein function (PMID: 16199547), and loss-of-function variants in SEC23B are known to be pathogenic (PMID: 19561605, 25044164). This variant is not present in population databases (gnomAD no frequency). This variant has not been reported in the literature in individuals affected with SEC23B-related conditions. Algorithms developed to predict the effect of sequence changes on RNA splicing suggest that this variant may disrupt the consensus splice site. In summary, the currently available evidence indicates that the variant is pathogenic, but additional data are needed to prove that conclusively. Therefore, this variant has been classified as Likely Pathogenic.

Literature cited by the submitters: PubMed 16199547; PubMed 19561605; PubMed 25044164.

NM_006363.6(SEC23B):c.1905+1G>A

Gene: SEC23B (SEC23 homolog B, COPII component; plus strand). Cytogenetic location: 20p11.23.
Variant type: single nucleotide variant.
Coding change: c.1905+1G>A on transcript NM_006363.6 (MANE Select); the canonical splice donor site of the intron after coding-DNA position 1905, G replaced by A.
Molecular consequence: splice donor variant.
Genome position (GRCh38, 1-based): chr20:18,548,771, G>A. VCF-style: chr20-18548771-G-A. GRCh37 (hg19) VCF-style: chr20-18529415-G-A.
Other names: c.1905+1G>A (NM_032986.5, NM_001172745.3, NM_032985.6); c.1851+1G>A (NM_001172746.3).
Identifiers: ClinVar variation 2952986 (VCV002952986.3), dbSNP rs113410788, ClinGen allele CA312410723.